The following is an entry in ClinVar:

NM_002528.7(NTHL1):c.593C>A (p.Ala198Asp)

Gene: NTHL1 (nth like DNA glycosylase 1; minus strand). Cytogenetic location: 16p13.3.
Variant type: single nucleotide variant.
Coding change: c.593C>A on transcript NM_002528.7 (MANE Select); coding-DNA position 593, C replaced by A.
Protein change: p.Ala198Asp; replaces alanine 198 with aspartic acid.
Molecular consequence: missense variant.
Genome position (GRCh38, 1-based): chr16:2,043,659, G>T on the plus strand (C>A on the coding strand, the complement: NTHL1 is on the minus strand). VCF-style: chr16-2043659-G-T. GRCh37 (hg19) VCF-style: chr16-2093660-G-T.
Other names: c.422C>A, p.Ala141Asp (NM_001318193.2); c.263C>A, p.Ala88Asp (NM_001318194.2); short protein forms A88D, A141D, A198D.
Identifiers: ClinVar variation 1752047 (VCV001752047.7), dbSNP rs2150941323, ClinGen allele CA394291771.

ClinVar aggregate classification (germline): Uncertain significance. Review status: criteria provided, multiple submitters, no conflicts (2 of 4 stars). 2 submissions from 2 submitters: Uncertain significance (2). Last evaluated 2023-01-25.

Conditions:
Hereditary cancer-predisposing syndrome. Also called: Hereditary Cancer Syndrome; Hereditary neoplastic syndrome; Neoplastic Syndromes, Hereditary; Tumor predisposition. Identifiers: Orphanet 140162, MedGen C0027672, MeSH D009386, MONDO:0015356.

Submissions (2):

Labcorp Genetics (formerly Invitae), Labcorp
Classification: Uncertain significance. Last evaluated: 2023-01-25. Review status: criteria provided, single submitter. Criteria: Invitae Variant Classification Sherloc (09022015). Collection method: clinical testing. Allele origin: germline.
Comment: This sequence change replaces alanine, which is neutral and non-polar, with aspartic acid, which is acidic and polar, at codon 206 of the NTHL1 protein (p.Ala206Asp). This variant is not present in population databases (gnomAD no frequency). In summary, the available evidence is currently insufficient to determine the role of this variant in disease. Therefore, it has been classified as a Variant of Uncertain Significance. An algorithm developed to predict the effect of missense changes on protein structure and function (PolyPhen-2) suggests that this variant is likely to be tolerated. ClinVar contains an entry for this variant (Variation ID: 1752047). This variant has not been reported in the literature in individuals affected with NTHL1-related conditions.

Ambry Genetics
Classification: Uncertain significance for Hereditary cancer-predisposing syndrome. Last evaluated: 2022-05-17. Review status: criteria provided, single submitter. Criteria: Ambry Variant Classification Scheme 2023. Collection method: clinical testing. Allele origin: germline.
Comment: The p.A206D variant (also known as c.617C>A), located in coding exon 4 of the NTHL1 gene, results from a C to A substitution at nucleotide position 617. The alanine at codon 206 is replaced by aspartic acid, an amino acid with dissimilar properties. This amino acid position is conserved. In addition, this alteration is predicted to be tolerated by in silico analysis. Since supporting evidence is limited at this time, the clinical significance of this alteration remains unclear.